The following is an entry in ClinVar:

ClinVar aggregate classification (germline): Uncertain significance. Review status: criteria provided, single submitter (1 of 4 stars). 2 submissions from 2 submitters: Uncertain significance (1). 1 of the submissions does not count toward it. Last evaluated 2023-08-19.

Conditions:
Autosomal dominant polycystic kidney disease. Identifiers: Orphanet 730, MedGen C0085413, MONDO:0004691.
PKD2-related disorder. Also called: PKD2-related condition.

Allele frequency attached by ClinVar (database versions not stated): gnomAD 0.00001; TOPMed 0.00001.

Submissions (2):

Labcorp Genetics (formerly Invitae), Labcorp
Classification: Uncertain significance for Autosomal dominant polycystic kidney disease. Last evaluated: 2023-08-19. Review status: criteria provided, single submitter. Criteria: Invitae Variant Classification Sherloc (09022015). Collection method: clinical testing. Allele origin: germline.
Comment: This sequence change replaces lysine, which is basic and polar, with glutamic acid, which is acidic and polar, at codon 16 of the PKD2 protein (p.Lys16Glu). This variant is not present in population databases (gnomAD no frequency). This variant has not been reported in the literature in individuals affected with PKD2-related conditions. Algorithms developed to predict the effect of missense changes on protein structure and function output the following: SIFT: "Not Available"; PolyPhen-2: "Benign"; Align-GVGD: "Not Available". The glutamic acid amino acid residue is found in multiple mammalian species, which suggests that this missense change does not adversely affect protein function. In summary, the available evidence is currently insufficient to determine the role of this variant in disease. Therefore, it has been classified as a Variant of Uncertain Significance.

PreventionGenetics, part of Exact Sciences
Classification: Uncertain significance for PKD2-related condition. Last evaluated: 2024-04-10. Review status: no assertion criteria provided. Collection method: clinical testing. Allele origin: germline. Not counted in ClinVar's aggregate classification.
Comment: The PKD2 c.46A>G variant is predicted to result in the amino acid substitution p.Lys16Glu. To our knowledge, this variant has not been reported in the literature or in a large population database, indicating this variant is rare. At this time, the clinical significance of this variant is uncertain due to the absence of conclusive functional and genetic evidence.

NM_000297.4(PKD2):c.46A>G (p.Lys16Glu)

Genes: PKD2 (polycystin 2, transient receptor potential cation channel; plus strand), LOC129992813 (ATAC-STARR-seq lymphoblastoid silent region 15559; plus strand). Cytogenetic location: 4q22.1.
Variant type: single nucleotide variant.
Coding change: c.46A>G on transcript NM_000297.4 (MANE Select); coding-DNA position 46, A replaced by G.
Protein change: p.Lys16Glu; replaces lysine 16 with glutamic acid.
Molecular consequence: missense variant. On other transcripts: non-coding transcript variant (1).
Genome position (GRCh38, 1-based): chr4:88,007,779, A>G. VCF-style: chr4-88007779-A-G. GRCh37 (hg19) VCF-style: chr4-88928931-A-G.
Other names: c.46A>G (NM_000297.3); short protein forms K16E.
Identifiers: ClinVar variation 2960211 (VCV002960211.4), dbSNP rs1241520333, ClinGen allele CA357624920.
Genomic context (GRCh38, chr4:88,007,779, plus strand): 5'-ACGCCAGTGACCGCGATGGTGAACTCCAGTCGCGTGCAGCCTCAGCAGCCCGGGGACGCC[A>G]AGCGGCCGCCCGCGCCCCGCGCGCCGGACCCGGGCCGGCTGATGGCTGGCTGCGCGGCCG-3'
Protein context (NP_000288.1, residues 6-26): RVQPQQPGDA[Lys16Glu]RPPAPRAPDP